The following is an entry in ClinVar:

ClinVar aggregate classification (germline): Uncertain significance (1 of 4 stars; one submission).

Submission:

Labcorp Genetics (formerly Invitae), Labcorp
Classification: Uncertain significance. Last evaluated: 2025-01-20. Review status: criteria provided, single submitter. Criteria: Invitae Variant Classification Sherloc (09022015). Collection method: clinical testing. Allele origin: germline.
Comment: This sequence change creates a premature translational stop signal (p.Ser342Lysfs*11) in the INTU gene. It is expected to result in an absent or disrupted protein product. However, the current clinical and genetic evidence is not sufficient to establish whether loss-of-function variants in INTU cause disease. This variant is not present in population databases (gnomAD no frequency). This variant has not been reported in the literature in individuals affected with INTU-related conditions. Algorithms developed to predict the effect of sequence changes on RNA splicing suggest that this variant may disrupt the consensus splice site. In summary, the available evidence is currently insufficient to determine the role of this variant in disease. Therefore, it has been classified as a Variant of Uncertain Significance.

NM_015693.4(INTU):c.1024dup (p.Ser342fs)

Gene: INTU (inturned planar cell polarity protein; plus strand). Cytogenetic location: 4q28.1.
Variant type: Duplication.
Coding change: c.1024dup on transcript NM_015693.4 (MANE Select); coding-DNA position 1024, one base duplicated (A; older notation c.1024dupA).
Protein change: p.Ser342fs; shifts the reading frame from serine 342.
Molecular consequence: frameshift variant.
Genome position (GRCh38, 1-based): chr4:127,669,087, A duplicated; the last of 4 consecutive A bases (chr4:127,669,084-127,669,087); duplicating any one gives the same sequence. VCF-style (leftmost placement, unchanged base first): chr4-127669083-T-TA. GRCh37 (hg19) VCF-style: chr4-128590238-T-TA.
Other names: short protein forms S342fs.
Identifiers: ClinVar variation 3651671 (VCV003651671.2).
Genomic context (GRCh38, chr4:127,669,083, plus strand): 5'-TTTCATTTAACAGCAGGAAATTCTTTATCATTATCCAATGTCTGAAGCATCTCAGAAACT[T>TA]AAAAGTGTGAGAGGGATTTTTCTCACACTCTGTGACATGCTGGAAAACGTAACTGGGACA-3'